The following is an entry in ClinVar:

ClinVar aggregate classification (germline): Conflicting classifications of pathogenicity. Review status: criteria provided, conflicting classifications (1 of 4 stars). 10 submissions from 10 submitters: Uncertain significance (5); Likely benign (2). 3 of the submissions do not count toward it. Last evaluated 2025-07-16.

Conditions:
Hereditary cancer-predisposing syndrome. Also called: Hereditary neoplastic syndrome; Tumor predisposition; Neoplastic Syndromes, Hereditary; Hereditary Cancer Syndrome. Identifiers: Orphanet 140162, MedGen C0027672, MeSH D009386, MONDO:0015356.
Classic or attenuated familial adenomatous polyposis. Identifiers: MedGen CN372698, MONDO:0021057.
Familial adenomatous polyposis 1 (FAP1). Also called: FAMILIAL ADENOMATOUS POLYPOSIS 1, ATTENUATED; POLYPOSIS, ADENOMATOUS INTESTINAL. Identifiers: MedGen C2713442, MONDO:0021056, OMIM 175100. Disease mechanism: loss of function.

Allele frequency attached by ClinVar (database versions not stated): TOPMed below 0.00001; gnomAD 0.00001; gnomAD exomes 0.00001 and 0.00002; ExAC 0.00002.
gnomAD v4.1: 12 of 1,613,014 alleles (0.00074%); highest among the groups gnomAD compares: Non-Finnish European, 0.00093%; no homozygotes.

Submissions (10):

Labcorp Genetics (formerly Invitae), Labcorp
Classification: Uncertain significance for Familial adenomatous polyposis 1. Last evaluated: 2025-07-16. Review status: criteria provided, single submitter. Criteria: Invitae Variant Classification Sherloc (09022015). Collection method: clinical testing. Allele origin: germline.
Comment: This sequence change replaces isoleucine, which is neutral and non-polar, with valine, which is neutral and non-polar, at codon 2135 of the APC protein (p.Ile2135Val). This variant is present in population databases (rs757633174, gnomAD 0.004%). This missense change has been observed in individual(s) with pancreatic cancer (PMID: 27449771). ClinVar contains an entry for this variant (Variation ID: 418014). Invitae Evidence Modeling of protein sequence and biophysical properties (such as structural, functional, and spatial information, amino acid conservation, physicochemical variation, residue mobility, and thermodynamic stability) indicates that this missense variant is not expected to disrupt APC protein function with a negative predictive value of 95%. In summary, the available evidence is currently insufficient to determine the role of this variant in disease. Therefore, it has been classified as a Variant of Uncertain Significance.

Color Diagnostics, LLC DBA Color Health
Classification: Likely benign for Hereditary cancer-predisposing syndrome. Last evaluated: 2024-09-23. Review status: criteria provided, single submitter. Criteria: ACMG Guidelines, 2015. Collection method: clinical testing. Allele origin: germline.

All of Us Research Program, National Institutes of Health
Classification: Uncertain significance for Classic or attenuated familial adenomatous polyposis. Last evaluated: 2024-06-11. Review status: criteria provided, single submitter. Criteria: ACMG Guidelines, 2015. Collection method: clinical testing. Allele origin: germline. Inheritance: Autosomal dominant inheritance. Observed: 5 variant alleles, 5 heterozygotes.
Comment: This missense variant replaces isoleucine with valine at codon 2135 of the APC protein. Computational prediction suggests that this variant may not impact protein structure and function (internally defined REVEL score threshold <= 0.5, PMID: 27666373). To our knowledge, functional studies have not been reported for this variant. This variant has not been reported in individuals affected with APC-related disorders in the literature. This variant has been identified in 4/250830 chromosomes in the general population by the Genome Aggregation Database (gnomAD). The available evidence is insufficient to determine the role of this variant in disease conclusively. Therefore, this variant is classified as a Variant of Uncertain Significance.

This study involves interpretation of variants in research participants for the purpose of population health screening. Participant phenotype was not available at the time of variant classification. Additional details can be found in publication PMID: 35346344, PMCID: PMC8962531

GeneDx
Classification: Uncertain significance. Last evaluated: 2024-05-24. Review status: criteria provided, single submitter. Criteria: GeneDx Variant Classification Process June 2021. Collection method: clinical testing. Allele origin: germline. Affected: yes.
Comment: Not observed at significant frequency in large population cohorts (gnomAD); In silico analysis indicates that this missense variant does not alter protein structure/function; This variant is associated with the following publications: (PMID: 25938944, 27449771)

Baylor Genetics
Classification: Uncertain significance for Familial adenomatous polyposis 1. Last evaluated: 2024-01-03. Review status: criteria provided, single submitter. Criteria: ACMG Guidelines, 2015. Collection method: clinical testing. Allele origin: unknown.

Sema4
Classification: Uncertain significance for Hereditary cancer-predisposing syndrome. Last evaluated: 2022-02-05. Review status: criteria provided, single submitter. Criteria: Sema4 Curation Guidelines. Collection method: curation. Allele origin: germline.
Comment: The APC c.6403A>G (p.I2135V) variant has been reported in heterozygosity in at least one individual with pancreatic cancer who also carried an unspecified CDKN2A mutation (PMID: 27449771). This variant was observed in 4/113334 chromosomes in the Non-Finnish European population according to the Genome Aggregation Database (PMID: 32461654), and has been reported in ClinVar (Variation ID: 418014). Functional studies have not been performed, and in silico predictions of the variant's effect on protein function are inconclusive. The evidence is insufficient to meet ACMG/AMP criteria for classifying the variant as benign or pathogenic. Thus, the clinical significance of this variant is currently uncertain.

Ambry Genetics
Classification: Likely benign for Hereditary cancer-predisposing syndrome. Last evaluated: 2021-05-06. Review status: criteria provided, single submitter. Criteria: Ambry Variant Classification Scheme 2023. Collection method: clinical testing. Allele origin: germline.

Clinical Genetics DNA and cytogenetics Diagnostics Lab, Erasmus MC, Erasmus Medical Center
Classification: Likely benign. Review status: no assertion criteria provided. Collection method: clinical testing. Allele origin: germline. Affected: yes. Study: VKGL Data-share Consensus. Not counted in ClinVar's aggregate classification.

Clinical Genetics, Academic Medical Center
Classification: Benign. Review status: no assertion criteria provided. Collection method: clinical testing. Allele origin: germline. Affected: yes. Study: VKGL Data-share Consensus. Not counted in ClinVar's aggregate classification.

Joint Genome Diagnostic Labs from Nijmegen and Maastricht, Radboudumc and MUMC+
Classification: Likely benign. Review status: no assertion criteria provided. Collection method: clinical testing. Allele origin: germline. Affected: yes. Study: VKGL Data-share Consensus. Not counted in ClinVar's aggregate classification.

Literature cited by the submitters: PubMed 27449771 (cited by Labcorp Genetics (formerly Invitae), Labcorp and Sema4); PubMed 25938944 (cited by Ambry Genetics).

NM_000038.6(APC):c.6403A>G (p.Ile2135Val)

Gene: APC (APC regulator of Wnt signaling pathway; plus strand). Cytogenetic location: 5q22.2.
Variant type: single nucleotide variant.
Coding change: c.6403A>G on transcript NM_000038.6 (MANE Select); coding-DNA position 6403, A replaced by G.
Protein change: p.Ile2135Val; replaces isoleucine 2135 with valine.
Molecular consequence: missense variant.
Genome position (GRCh38, 1-based): chr5:112,841,997, A>G. VCF-style: chr5-112841997-A-G. GRCh37 (hg19) VCF-style: chr5-112177694-A-G.
Other names: c.6433A>G, p.Ile2145Val (NM_001354897.2); c.6328A>G, p.Ile2110Val (NM_001354898.2); c.6319A>G, p.Ile2107Val (NM_001354899.2); c.6280A>G, p.Ile2094Val (NM_001354900.2); c.6226A>G, p.Ile2076Val (NM_001354901.2); c.6130A>G, p.Ile2044Val (NM_001354902.2); c.6100A>G, p.Ile2034Val (NM_001354903.2); c.6025A>G, p.Ile2009Val (NM_001354904.2); and 5 more; short protein forms I2117V, I2135V, I2009V, I2044V, I2094V, I2153V, I2076V, I1852V.
Identifiers: ClinVar variation 418014 (VCV000418014.34), dbSNP rs757633174, ClinGen allele CA044550.
Genomic context (GRCh38, chr5:112,841,997, plus strand): 5'-TTACATCAAGCTGCTGCTGCTGCATGTTTATCTAGACAAGCTTCGTCTGATTCAGATTCC[A>G]TCCTTTCCCTGAAATCAGGAATCTCTCTGGGATCACCATTTCATCTTACACCTGATCAAG-3'
Protein context (NP_000029.2, residues 2125-2145): SRQASSDSDS[Ile2135Val]LSLKSGISLG